The following is an entry in ClinVar:

NM_198252.3(GSN):c.460G>A (p.Val154Met)

Gene: GSN (gelsolin; plus strand). Cytogenetic location: 9q33.2.
Variant type: single nucleotide variant.
Coding change: c.460G>A on transcript NM_198252.3 (MANE Select); coding-DNA position 460, G replaced by A.
Protein change: p.Val154Met; replaces valine 154 with methionine.
Molecular consequence: missense variant. On other transcripts: 5 prime UTR variant (1).
Genome position (GRCh38, 1-based): chr9:121,310,792, G>A. VCF-style: chr9-121310792-G-A. GRCh37 (hg19) VCF-style: chr9-124073070-G-A.
Other names: c.613G>A, p.Val205Met (NM_000177.5); c.460G>A, p.Val154Met (NM_001127662.2, NM_001127664.2, NM_001127665.2 and 10 more transcripts); c.568G>A, p.Val190Met (NM_001127663.2); c.493G>A, p.Val165Met (NM_001127666.2, NM_001353063.2, NM_001353064.2 and 13 more transcripts); c.532G>A, p.Val178Met (NM_001353076.2); c.-195G>A (NM_001353078.2); c.511G>A, p.Val171Met (NM_001258029.2); c.484G>A, p.Val162Met (NM_001258030.2); short protein forms V165M, V171M, V178M, V205M, V190M, V154M, V162M.
Identifiers: ClinVar variation 2867980 (VCV002867980.3), dbSNP rs1564516294, ClinGen allele CA374739176.

ClinVar aggregate classification (germline): Uncertain significance (1 of 4 stars; one submission).

Allele frequency attached by ClinVar (database versions not stated): gnomAD exomes below 0.00001; gnomAD 0.00001; TOPMed 0.00001.
gnomAD v4.1: 4 of 1,614,052 alleles (0.00025%); highest among the groups gnomAD compares: African/African-American, 0.004%; no homozygotes.

Submission:

Labcorp Genetics (formerly Invitae), Labcorp
Classification: Uncertain significance. Last evaluated: 2023-06-20. Review status: criteria provided, single submitter. Criteria: Invitae Variant Classification Sherloc (09022015). Collection method: clinical testing. Allele origin: germline.
Comment: In summary, the available evidence is currently insufficient to determine the role of this variant in disease. Therefore, it has been classified as a Variant of Uncertain Significance. An algorithm developed to predict the effect of missense changes on protein structure and function (PolyPhen-2) suggests that this variant is likely to be tolerated. This variant has not been reported in the literature in individuals affected with GSN-related conditions. This variant is not present in population databases (gnomAD no frequency). This sequence change replaces valine, which is neutral and non-polar, with methionine, which is neutral and non-polar, at codon 205 of the GSN protein (p.Val205Met).